The following is an entry in ClinVar:

NM_001754.5(RUNX1):c.1191A>G (p.Gln397=)

Gene: RUNX1 (RUNX family transcription factor 1; minus strand). Cytogenetic location: 21q22.12.
Variant type: single nucleotide variant.
Coding change: c.1191A>G on transcript NM_001754.5 (MANE Select); coding-DNA position 1191, A replaced by G.
Protein change: p.Gln397=; no amino-acid change (glutamine 397 retained).
Molecular consequence: synonymous variant.
Genome position (GRCh38, 1-based): chr21:34,792,387, T>C on the plus strand (A>G on the coding strand, the complement: RUNX1 is on the minus strand). VCF-style: chr21-34792387-T-C. GRCh37 (hg19) VCF-style: chr21-36164684-T-C.
Other names: NM_001754.5(RUNX1):c.1191A>G; p.Gln397=; c.1110A>G, p.Gln370= (NM_001001890.3).
Identifiers: ClinVar variation 2755226 (VCV002755226.7), dbSNP rs1176713877, ClinGen allele CA512341236.
Genomic context (GRCh38, chr21:34,792,387, plus strand): 5'-GGAGAACTGGTAGGAGCCGGCCGAGGCGCCGTAGTACAGGTGGTAGGAGGGCGAGCTGGC[T>C]TGGAACGGGCCTCCCTGCGCTTGCGACGAGCCGGGGTAGGGCGGCGGCAGGTAGGTGTGG-3'
Protein context (NP_001745.2, residues 387-407): GSSQAQGGPF[Gln397=]ASSPSYHLYY

ClinVar aggregate classification (germline): Likely benign. Review status: reviewed by expert panel (3 of 4 stars). 3 submissions from 3 submitters: Likely benign (1). 2 of the submissions do not count toward it. Last evaluated 2026-04-29.

Conditions:
Hereditary thrombocytopenia and hematological cancer predisposition syndrome associated with RUNX1. Also called: RUNX1 Familial Platelet Disorder with Associated Myeloid Malignancies; Familial Platelet Disorder with Propensity to Acute Myelogenous Leukemia; Familial thrombocytopenia with propensity to acute myelogenous leukemia; PLATELET DISORDER, ASPIRIN-LIKE. Identifiers: Orphanet 71290, MedGen C1832388, MeSH C563324, MONDO:0100083, OMIM 601399.
Inborn genetic diseases. Identifiers: MedGen C0950123, MeSH D030342.
Hereditary thrombocytopenia and hematologic cancer predisposition syndrome. Identifiers: Orphanet 71290, MedGen CN281654, MONDO:0011071.

Submissions (3):

ClinGen Myeloid Malignancy Variant Curation Expert Panel
Classification: Likely benign for Hereditary thrombocytopenia and hematologic cancer predisposition syndrome. Last evaluated: 2026-04-29. Review status: reviewed by expert panel. Criteria: ClinGen MyeloMalig ACMG Specifications V3.1. Collection method: curation. Allele origin: germline. Inheritance: Autosomal dominant inheritance.
Comment: NM_001754.5(RUNX1):c.1191A>G (p.Gln397=) is a synonymous variant which has a SpliceAI score ≤ 0.20 (0.0) (BP4, BP7). This variant is completely absent from all population databases with at least 20x coverage for RUNX1 (PM2_supporting). In summary, this variant meets criteria to be classified as likely benign. ACMG/AMP criteria applied, as specified by the Myeloid Malignancy Variant Curation Expert Panel for RUNX1: BP4, BP7, PM2_supporting.

Ambry Genetics
Classification: Likely benign for Inborn genetic diseases. Last evaluated: 2026-06-20. Review status: criteria provided, single submitter. Criteria: Ambry Variant Classification Scheme 2023. Collection method: clinical testing. Allele origin: germline. Not counted in ClinVar's aggregate classification.

Labcorp Genetics (formerly Invitae), Labcorp
Classification: Likely benign for Hereditary thrombocytopenia and hematological cancer predisposition syndrome associated with RUNX1. Last evaluated: 2023-10-05. Review status: criteria provided, single submitter. Criteria: Invitae Variant Classification Sherloc (09022015). Collection method: clinical testing. Allele origin: germline. Not counted in ClinVar's aggregate classification.